The following is an entry in ClinVar:

NM_000059.4(BRCA2):c.7005dup (p.Arg2336fs)

Gene: BRCA2 (BRCA2 DNA repair associated; plus strand). Cytogenetic location: 13q13.1.
Variant type: Duplication.
Coding change: c.7005dup on transcript NM_000059.4 (MANE Select); coding-DNA position 7005, one base duplicated (T; older notation c.7005dupT).
Protein change: p.Arg2336fs; shifts the reading frame from arginine 2336.
Molecular consequence: frameshift variant. On other transcripts: non-coding transcript variant (1).
Genome position (GRCh38, 1-based): chr13:32,346,894, T duplicated; the last of 3 consecutive T bases (chr13:32,346,892-32,346,894); duplicating any one gives the same sequence. VCF-style (leftmost placement, unchanged base first): chr13-32346891-C-CT. GRCh37 (hg19) VCF-style: chr13-32921028-C-CT.
Other names: c.6909dup, p.Arg2304fs (NM_001406719.1); c.7005dup, p.Arg2336fs (NM_001406720.1); c.2073dup, p.Arg692fs (NM_001406721.1); c.588dup, p.Arg197fs (NM_001406722.1); short protein forms R197fs, R2304fs, R2336fs, R692fs.
Identifiers: ClinVar variation 3254212 (VCV003254212.1), dbSNP rs2072615390.
Genomic context (GRCh38, chr13:32,346,891, plus strand): 5'-AATAAAAGATCGAAGATTGTTTATGCATCATGTTTCTTTAGAGCCGATTACCTGTGTACC[C>CT]TTTCGGTAAGACATGTTTAAATTTTTCTAAATTCTAATACAGTATGAGAAAAGTCTCGTT-3'

ClinVar aggregate classification (germline): Pathogenic (1 of 4 stars; one submission).

Conditions:
Breast-ovarian cancer, familial, susceptibility to, 2 (BROVCA2). Also called: BRCA2 Hereditary Breast and Ovarian Cancer. Identifiers: Orphanet 145, MedGen C2675520, MONDO:0012933, OMIM 612555. Disease mechanism: loss of function.

Submission:

Myriad Genetics, Inc.
Classification: Pathogenic for Breast-ovarian cancer, familial, susceptibility to, 2. Last evaluated: 2024-06-06. Review status: criteria provided, single submitter. Criteria: Myriad Autosomal Dominant, Autosomal Recessive and X-Linked Classification Criteria (2023). Collection method: clinical testing. Allele origin: unknown.
Comment: This variant is considered pathogenic. This variant creates a frameshift predicted to result in premature protein truncation.